The following is an entry in ClinVar:

ClinVar aggregate classification (germline): Uncertain significance (1 of 4 stars; one submission).

Conditions:
Ullrich congenital muscular dystrophy 2 (UCMD2). Identifiers: Orphanet 75840, MedGen C4225314, MONDO:0014654, OMIM 616470.
Bethlem myopathy 2 (BTHLM2). Identifiers: Orphanet 536516, Orphanet 610, MedGen C4225313, MONDO:0034022, OMIM 616471.

Allele frequency attached by ClinVar (database versions not stated): TOPMed below 0.00001; gnomAD 0.00001; gnomAD exomes 0.00001.
gnomAD v4.1: 12 of 1,551,810 alleles (0.00077%); highest among the groups gnomAD compares: Non-Finnish European, 0.001%; no homozygotes.

Submission:

Labcorp Genetics (formerly Invitae), Labcorp
Classification: Uncertain significance for Bethlem myopathy 2; Ullrich congenital muscular dystrophy 2. Last evaluated: 2023-08-08. Review status: criteria provided, single submitter. Criteria: Invitae Variant Classification Sherloc (09022015). Collection method: clinical testing. Allele origin: germline.
Comment: This sequence change replaces glycine, which is neutral and non-polar, with valine, which is neutral and non-polar, at codon 13 of the COL12A1 protein (p.Gly13Val). This variant is not present in population databases (gnomAD no frequency). This variant has not been reported in the literature in individuals affected with COL12A1-related conditions. An algorithm developed to predict the effect of missense changes on protein structure and function (PolyPhen-2) suggests that this variant is likely to be tolerated. In summary, the available evidence is currently insufficient to determine the role of this variant in disease. Therefore, it has been classified as a Variant of Uncertain Significance.

NM_004370.6(COL12A1):c.38G>T (p.Gly13Val)

Gene: COL12A1 (collagen type XII alpha 1 chain; minus strand). Cytogenetic location: 6q14.1.
Variant type: single nucleotide variant.
Coding change: c.38G>T on transcript NM_004370.6 (MANE Select); coding-DNA position 38, G replaced by T.
Protein change: p.Gly13Val; replaces glycine 13 with valine.
Molecular consequence: missense variant.
Genome position (GRCh38, 1-based): chr6:75,202,755, C>A on the plus strand (G>T on the coding strand, the complement: COL12A1 is on the minus strand). VCF-style: chr6-75202755-C-A. GRCh37 (hg19) VCF-style: chr6-75912471-C-A.
Other names: c.38G>T, p.Gly13Val (NM_001424113.1, NM_001424114.1, NM_001424115.1 and 2 more transcripts); short protein forms G13V.
Identifiers: ClinVar variation 2924773 (VCV002924773.3), dbSNP rs1289505265, ClinGen allele CA364734290.